The following is an entry in ClinVar:

NM_001164508.2(NEB):c.18823C>T (p.Gln6275Ter)

Gene: NEB (nebulin; minus strand). Cytogenetic location: 2q23.3.
Variant type: single nucleotide variant.
Coding change: c.18823C>T on transcript NM_001164508.2 (MANE Select); coding-DNA position 18823, C replaced by T.
Protein change: p.Gln6275Ter; replaces glutamine 6275 with a stop codon.
Molecular consequence: nonsense.
Genome position (GRCh38, 1-based): chr2:151,562,679, G>A on the plus strand (C>T on the coding strand, the complement: NEB is on the minus strand). VCF-style: chr2-151562679-G-A. GRCh37 (hg19) VCF-style: chr2-152419193-G-A.
Other names: c.18823C>T, p.Gln6275Ter (NM_001164507.2, NM_001271208.2); c.13720C>T, p.Gln4574Ter (NM_004543.5); short protein forms Q4574*, Q6275*.
Identifiers: ClinVar variation 5015520 (VCV005015520.1).

ClinVar aggregate classification (germline): Pathogenic (1 of 4 stars; one submission).

Conditions:
Nemaline myopathy 2 (NEM2). Also called: Nemaline myopathy 2, autosomal recessive. Identifiers: MedGen C1850569, MONDO:0009725, OMIM 256030.

Submission:

Myriad Genetics, Inc.
Classification: Pathogenic for Nemaline myopathy 2. Last evaluated: 2026-02-07. Review status: criteria provided, single submitter. Criteria: Myriad Autosomal Dominant, Autosomal Recessive and X-Linked Classification Criteria (2023). Collection method: clinical testing. Allele origin: unknown.
Comment: NM_001271208.1(NEB):c.18823C>T(Q6275*) is expected to be pathogenic in the context of NEB-related nemaline myopathy. This variant is predicted to lead to an abnormal or absent protein product due to the creation of a premature termination codon in NEB, a gene where loss-of-function variants are known to be pathogenic. Please note: this variant was assessed in the context of healthy population screening.